The following is an entry in ClinVar:

ClinVar aggregate classification (germline): Benign/Likely benign. Review status: criteria provided, multiple submitters, no conflicts (2 of 4 stars). 4 submissions from 4 submitters: Benign (1); Likely benign (3). Last evaluated 2025-06-22.

Conditions:
Hereditary nonpolyposis colorectal neoplasms. Identifiers: MedGen C0009405, MeSH D003123.
Lynch syndrome 5 (LYNCH5). Also called: Colorectal cancer, hereditary nonpolyposis, type 5; Hereditary non-polyposis colorectal cancer, type 5. Identifiers: Orphanet 144, MedGen C1833477, MONDO:0013710, OMIM 614350. Disease mechanism: loss of function.
Hereditary cancer-predisposing syndrome. Also called: Neoplastic Syndromes, Hereditary; Tumor predisposition; Hereditary Cancer Syndrome; Hereditary neoplastic syndrome. Identifiers: Orphanet 140162, MedGen C0027672, MeSH D009386, MONDO:0015356.

Allele frequency attached by ClinVar (database versions not stated): gnomAD exomes below 0.00001.
gnomAD v4.1: 2 of 1,500,928 alleles (0.00013%); highest among the groups gnomAD compares: African/African-American, 0.0014%; no homozygotes.

Submissions (4):

Labcorp Genetics (formerly Invitae), Labcorp
Classification: Likely benign for Hereditary nonpolyposis colorectal neoplasms. Last evaluated: 2025-06-22. Review status: criteria provided, single submitter. Criteria: Invitae Variant Classification Sherloc (09022015). Collection method: clinical testing. Allele origin: germline.

Myriad Genetics, Inc.
Classification: Benign for Lynch syndrome 5. Last evaluated: 2024-12-17. Review status: criteria provided, single submitter. Criteria: Myriad Autosomal Dominant, Autosomal Recessive and X-Linked Classification Criteria (2023). Collection method: clinical testing. Allele origin: unknown.
Comment: This variant is considered benign. This variant is a silent/synonymous amino acid change and it is not expected to impact splicing.

Color Diagnostics, LLC DBA Color Health
Classification: Likely benign for Hereditary cancer-predisposing syndrome. Last evaluated: 2022-11-06. Review status: criteria provided, single submitter. Criteria: ACMG Guidelines, 2015. Collection method: clinical testing. Allele origin: germline.

Ambry Genetics
Classification: Likely benign for Hereditary cancer-predisposing syndrome. Last evaluated: 2015-07-09. Review status: criteria provided, single submitter. Criteria: Ambry Variant Classification Scheme 2023. Collection method: clinical testing. Allele origin: germline.

NM_000179.3(MSH6):c.198G>A (p.Pro66=)

Gene: MSH6 (mutS homolog 6; plus strand). Cytogenetic location: 2p16.3.
Variant type: single nucleotide variant.
Coding change: c.198G>A on transcript NM_000179.3 (MANE Select); coding-DNA position 198, G replaced by A.
Protein change: p.Pro66=; no amino-acid change (proline 66 retained).
Molecular consequence: synonymous variant. On other transcripts: 5 prime UTR variant (1).
Genome position (GRCh38, 1-based): chr2:47,783,431, G>A. VCF-style: chr2-47783431-G-A. GRCh37 (hg19) VCF-style: chr2-48010570-G-A.
Other names: c.198G>A, p.Pro66= (NM_001281492.2); c.-539G>A (NM_001281493.2).
Identifiers: ClinVar variation 820469 (VCV000820469.6), dbSNP rs1299712565, ClinGen allele CA426120776.
Genomic context (GRCh38, chr2:47,783,431, plus strand): 5'-GGATGCGGCCTGGAGCGAGGCTGGGCCTGGGCCCAGGCCCTTGGCGCGCTCCGCGTCACC[G>A]CCCAAGGCGAAGAACCTCAACGGAGGGCTGCGGAGATCGGTAGCGCCTGCTGCCCCCACC-3'
Protein context (NP_000170.1, residues 56-76): GPRPLARSAS[Pro66=]PKAKNLNGGL